The following is an entry in ClinVar:

ClinVar aggregate classification (germline): Uncertain significance. Review status: criteria provided, multiple submitters, no conflicts (2 of 4 stars). 2 submissions from 2 submitters: Uncertain significance (2). Last evaluated 2024-06-24.

Conditions:
TP63-Related Spectrum Disorders.
Ectrodactyly, ectodermal dysplasia, and cleft lip-palate syndrome 3. Also called: Ectrodactyly, Ectodermal Dysplasia, Clefting Syndrome; Ectrodactyly, Ectodermal Dysplasia, Cleft Lip/Palate Syndrome 3 (EEC3); Ectrodactyly, Ectodermal Dysplasia, Clefting Syndrome Type 3 (EEC3); EEC SYNDROME 3. Identifiers: Orphanet 1896, MedGen C1858562, MONDO:0011428, OMIM 604292.
Orofacial cleft 8. Also called: Cleft lip with or without cleft palate, nonsyndromic, 8. Identifiers: MedGen C1851878, MONDO:0029145, OMIM 618149.
Limb-mammary syndrome (LMS). Also called: Mammary hypoplasia, ectrodactyly, and other hand/foot anomalies. Identifiers: Orphanet 69085, MedGen C1863753, MONDO:0011334, OMIM 603543.
Premature ovarian failure 21 (POF21). Identifiers: MedGen C5830399, MONDO:0957216, OMIM 620311.
ADULT syndrome. Also called: Acro-Dermo-Ungual-Lacrimal-Tooth Syndrome (ADULT Syndrome); Acro-dermato-ungual-lacrimal-tooth (adult) syndrome; ACRO-DERMATO-UNGUAL-LACRIMAL-TOOTH SYNDROME. Identifiers: Orphanet 978, MedGen C1863204, MONDO:0007072, OMIM 103285.
Rapp-Hodgkin syndrome (RHS). Also called: Isolated Cleft Lip/Cleft Palate (Orofacial Cleft 8); ECTODERMAL DYSPLASIA, ANHIDROTIC, WITH CLEFT LIP/PALATE; Rapp-Hodgkin ectodermal dysplasia syndrome. Identifiers: MedGen C1785148, MONDO:0007508, OMIM 129400.
Split hand-foot malformation 4. Also called: Split-Hand/Foot Malformation Type 4 (SHFM4); Split-Hand/Foot Malformation Type 4 (SHFM4 syndrome). Identifiers: Orphanet 2440, MedGen C1854442, MONDO:0011535, OMIM 605289.
Ankyloblepharon-ectodermal defects-cleft lip/palate syndrome. Also called: Hay-Wells syndrome of ectodermal dysplasia; Ankyloblepharon-Ectodermal Defects-Cleft Lip/Palate Syndrome (AEC Syndrome); AEC SYNDROME; HAY-WELLS SYNDROME; Ankyloblepharon-ectodermal defects, cleft lip/palate. Identifiers: Orphanet 1071, MedGen C0406709, MONDO:0007124, OMIM 106260.

Submissions (2):

Labcorp Genetics (formerly Invitae), Labcorp
Classification: Uncertain significance. Last evaluated: 2024-06-24. Review status: criteria provided, single submitter. Criteria: Invitae Variant Classification Sherloc (09022015). Collection method: clinical testing. Allele origin: germline.
Comment: This sequence change falls in intron 11 of the TP63 gene. It does not directly change the encoded amino acid sequence of the TP63 protein. It affects a nucleotide within the consensus splice site. This variant is present in population databases (no rsID available, gnomAD no frequency). This variant has not been reported in the literature in individuals affected with TP63-related conditions. Variants that disrupt the consensus splice site are a relatively common cause of aberrant splicing (PMID: 17576681, 9536098). Algorithms developed to predict the effect of sequence changes on RNA splicing suggest that this variant is not likely to affect RNA splicing. In summary, the available evidence is currently insufficient to determine the role of this variant in disease. Therefore, it has been classified as a Variant of Uncertain Significance.

Fulgent Genetics
Classification: Uncertain significance for ADULT syndrome; Ankyloblepharon-ectodermal defects-cleft lip/palate syndrome; Rapp-Hodgkin syndrome; Limb-mammary syndrome; Ectrodactyly, ectodermal dysplasia, and cleft lip-palate syndrome 3; Split hand-foot malformation 4; Orofacial cleft 8; Premature ovarian failure 21. Last evaluated: 2024-06-11. Review status: criteria provided, single submitter. Criteria: ACMG Guidelines, 2015. Collection method: clinical testing. Allele origin: germline.

Literature cited by the submitters: PubMed 17576681 (cited by Labcorp Genetics (formerly Invitae), Labcorp); PubMed 9536098 (cited by Labcorp Genetics (formerly Invitae), Labcorp).

NM_003722.5(TP63):c.1507+6_1507+7del

Gene: TP63 (tumor protein p63; plus strand). Cytogenetic location: 3q28.
Variant type: Microsatellite.
Coding change: c.1507+6_1507+7del on transcript NM_003722.5 (MANE Select); bases 6 to 7 of the intron after coding-DNA position 1507, 2 bases deleted (AG; older notation c.1507+6_1507+7delAG).
Molecular consequence: intron variant.
Genome position (GRCh38, 1-based): chr3:189,886,557-189,886,558, AG deleted; deleting any 2 consecutive bases within chr3:189,886,555-189,886,558 gives the same sequence; the c. name uses the placement nearest the transcript's 3' end. VCF-style (leftmost placement, unchanged base first): chr3-189886554-AAG-A. GRCh37 (hg19) VCF-style: chr3-189604343-AAG-A.
Other names: c.1501+6_1501+7del (NM_001329964.2); c.1507+6_1507+7del (NM_001114978.2, NM_001329144.2); c.1495+6_1495+7del (NM_001329148.2); c.1225+6_1225+7del (NM_001114980.2, NM_001114981.2, NM_001329145.2); c.1213+6_1213+7del (NM_001329149.2); c.970+6_970+7del (NM_001329146.2); c.958+6_958+7del (NM_001329150.2).
Identifiers: ClinVar variation 1375700 (VCV001375700.6), dbSNP rs1239031252, ClinGen allele CA548484446.